The following is an entry in ClinVar:

ClinVar aggregate classification (germline): Conflicting classifications of pathogenicity. Review status: criteria provided, conflicting classifications (1 of 4 stars). 8 submissions from 8 submitters: Uncertain significance (2); Benign (2); Likely benign (4). Last evaluated 2026-07-28.

Conditions:
TSC2-related disorder. Also called: TSC2-related condition; TSC2-Related Disorders.
Hereditary cancer-predisposing syndrome. Also called: Neoplastic Syndromes, Hereditary; Tumor predisposition; Hereditary Cancer Syndrome; Hereditary neoplastic syndrome. Identifiers: Orphanet 140162, MedGen C0027672, MeSH D009386, MONDO:0015356.
Tuberous sclerosis syndrome (TSC). Also called: Tuberous Sclerosis Complex; Tuberous sclerosis. Identifiers: Orphanet 805, MedGen C0041341, MONDO:0001734.
Tuberous sclerosis 2 (TSC2). Identifiers: Orphanet 805, MedGen C1860707, MONDO:0013199, OMIM 613254.

Allele frequency attached by ClinVar (database versions not stated): gnomAD exomes below 0.00001 and 0.00001; TOPMed 0.00001; gnomAD 0.00002 and 0.00003.
gnomAD v4.1: 5 of 1,613,672 alleles (0.00031%); highest among the groups gnomAD compares: African/African-American, 0.0067%; no homozygotes.

Submissions (8):

PreventionGenetics, part of Exact Sciences
Classification: Uncertain significance for TSC2-related condition. Last evaluated: 2026-07-28. Review status: criteria provided, single submitter. Criteria: ACMG Guidelines, 2015. Collection method: clinical testing. Allele origin: germline.
Comment: The TSC2 c.1627C>T variant is predicted to result in the amino acid substitution p.Pro543Ser. To our knowledge, this variant has not been reported in the literature. This variant is reported in 0.012% of alleles in individuals of African descent in gnomAD. At this time, the clinical significance of this variant is uncertain due to the absence of conclusive functional and genetic evidence.

Labcorp Genetics (formerly Invitae), Labcorp
Classification: Benign for Tuberous sclerosis 2. Last evaluated: 2025-12-29. Review status: criteria provided, single submitter. Criteria: Invitae Variant Classification Sherloc (09022015). Collection method: clinical testing. Allele origin: germline.

Myriad Genetics, Inc.
Classification: Likely benign for Tuberous sclerosis 2. Last evaluated: 2024-08-08. Review status: criteria provided, single submitter. Criteria: Myriad Autosomal Dominant, Autosomal Recessive and X-Linked Classification Criteria (2023). Collection method: clinical testing. Allele origin: unknown.
Comment: This variant is considered likely benign. This variant has been observed at a population frequency that is significantly greater than expected given the associated disease prevalence and penetrance.

All of Us Research Program, National Institutes of Health
Classification: Likely benign for Tuberous sclerosis syndrome. Last evaluated: 2023-10-02. Review status: criteria provided, single submitter. Criteria: ACMG Guidelines, 2015. Collection method: clinical testing. Allele origin: germline. Inheritance: Autosomal dominant inheritance. Observed: 2 variant alleles, 2 heterozygotes.
Comment: This study involves interpretation of variants in research participants for the purpose of population health screening. Participant phenotype was not available at the time of variant classification. Additional details can be found in publication PMID: 35346344, PMCID: PMC8962531

Color Diagnostics, LLC DBA Color Health
Classification: Likely benign for Tuberous sclerosis syndrome. Last evaluated: 2022-09-20. Review status: criteria provided, single submitter. Criteria: ACMG Guidelines, 2015. Collection method: clinical testing. Allele origin: germline.

Sema4
Classification: Uncertain significance for Hereditary cancer-predisposing syndrome. Last evaluated: 2022-01-24. Review status: criteria provided, single submitter. Criteria: Sema4 Curation Guidelines. Collection method: curation. Allele origin: germline.
Comment: The TSC2 c.1627C>T (p.P543S) variant has not been reported in the literature to our knowledge. This variant was observed in 3/24970 chromosomes in the African/African American subpopulation in the large and broad cohorts of the Genome Aggregation Database (PMID: 32461654). The variant has been reported in ClinVar (Variation ID: 406036). Functional studies have not been performed, and in silico predictions of the variant's effect on protein function are inconclusive. The evidence is insufficient to meet ACMG/AMP criteria for classifying the variant as benign or pathogenic. Thus, the clinical significance of this variant is currently uncertain.

Genome-Nilou Lab
Classification: Benign for Tuberous sclerosis 2. Last evaluated: 2021-11-07. Review status: criteria provided, single submitter. Criteria: ACMG Guidelines, 2015. Collection method: clinical testing. Allele origin: germline. Affected: no.

Ambry Genetics
Classification: Likely benign for Hereditary cancer-predisposing syndrome. Last evaluated: 2020-06-30. Review status: criteria provided, single submitter. Criteria: Ambry Variant Classification Scheme 2023. Collection method: clinical testing. Allele origin: germline.

NM_000548.5(TSC2):c.1627C>T (p.Pro543Ser)

Gene: TSC2 (TSC complex subunit 2; plus strand). Cytogenetic location: 16p13.3.
Variant type: single nucleotide variant.
Coding change: c.1627C>T on transcript NM_000548.5 (MANE Select); coding-DNA position 1627, C replaced by T.
Protein change: p.Pro543Ser; replaces proline 543 with serine.
Molecular consequence: missense variant.
Genome position (GRCh38, 1-based): chr16:2,065,546, C>T. VCF-style: chr16-2065546-C-T. GRCh37 (hg19) VCF-style: chr16-2115547-C-T.
Other names: c.1627C>T (NM_000548.4); c.1627C>T, p.Pro543Ser (NM_001077183.3, NM_001114382.3, NM_001363528.2 and 3 more transcripts); c.1516C>T, p.Pro506Ser (NM_001318827.2); c.1480C>T, p.Pro494Ser (NM_001318829.2); c.1027C>T, p.Pro343Ser (NM_001318831.2); c.1660C>T, p.Pro554Ser (NM_001318832.2); short protein forms P543S, P494S, P506S, P554S, P343S.
Identifiers: ClinVar variation 406036 (VCV000406036.22), dbSNP rs1060500944, ClinGen allele CA16615046.